The following is an entry in ClinVar:

NM_002524.5(NRAS):c.-16T>C

Gene: NRAS (NRAS proto-oncogene, GTPase; minus strand). Cytogenetic location: 1p13.2.
Variant type: single nucleotide variant.
Coding change: c.-16T>C on transcript NM_002524.5 (MANE Select); 16 bases upstream of the start codon, T replaced by C.
Molecular consequence: 5 prime UTR variant.
Genome position (GRCh38, 1-based): chr1:114,716,176, A>G on the plus strand (T>C on the coding strand, the complement: NRAS is on the minus strand). VCF-style: chr1-114716176-A-G. GRCh37 (hg19) VCF-style: chr1-115258797-A-G.
Other names: c.-16T>C (LRG_92t1).
Identifiers: ClinVar variation 378904 (VCV000378904.1), dbSNP rs1057520403, ClinGen allele CA16603395.

ClinVar aggregate classification (germline): Likely benign (1 of 4 stars; one submission).

Allele frequency attached by ClinVar (database versions not stated): TOPMed 0.00001; gnomAD 0.00001.
gnomAD v4.1: 2 of 1,555,510 alleles (0.00013%); highest among the groups gnomAD compares: African/African-American, 0.0027%; no homozygotes.

Submission:

GeneDx
Classification: Likely benign. Last evaluated: 2016-12-21. Review status: criteria provided, single submitter. Criteria: GeneDx Variant Classification (06012015). Collection method: clinical testing. Allele origin: germline. Affected: yes.
Comment: This variant is considered likely benign or benign based on one or more of the following criteria: it is a conservative change, it occurs at a poorly conserved position in the protein, it is predicted to be benign by multiple in silico algorithms, and/or has population frequency not consistent with disease.